The following is an entry in ClinVar:

NM_020207.7(ERCC6L2):c.1675A>G (p.Lys559Glu)

Gene: ERCC6L2 (ERCC excision repair 6 like 2; plus strand). Cytogenetic location: 9q22.32.
Variant type: single nucleotide variant.
Coding change: c.1675A>G on transcript NM_020207.7 (MANE Select); coding-DNA position 1675, A replaced by G.
Protein change: p.Lys559Glu; replaces lysine 559 with glutamic acid.
Molecular consequence: missense variant. On other transcripts: non-coding transcript variant (1).
Genome position (GRCh38, 1-based): chr9:95,928,788, A>G. VCF-style: chr9-95928788-A-G. GRCh37 (hg19) VCF-style: chr9-98691070-A-G.
Other names: c.1675A>G, p.Lys559Glu (NM_001010895.4, NM_001375291.1, NM_001375292.1 and 2 more transcripts); short protein forms K559E.
Identifiers: ClinVar variation 3845939 (VCV003845939.1).

ClinVar aggregate classification (germline): Uncertain significance (1 of 4 stars; one submission).

Conditions:
Inborn genetic diseases. Identifiers: MedGen C0950123, MeSH D030342.

Submission:

Ambry Genetics
Classification: Uncertain significance for Inborn genetic diseases. Last evaluated: 2025-02-15. Review status: criteria provided, single submitter. Criteria: Ambry Variant Classification Scheme 2023. Collection method: clinical testing. Allele origin: germline.
Comment: The p.K559E variant (also known as c.1675A>G), located in coding exon 11 of the ERCC6L2 gene, results from an A to G substitution at nucleotide position 1675. The lysine at codon 559 is replaced by glutamic acid, an amino acid with similar properties. This amino acid position is conserved. In addition, this alteration is predicted to be deleterious by in silico analysis. Based on the available evidence, the clinical significance of this variant remains unclear.